The following is an entry in ClinVar:

NM_000548.5(TSC2):c.4729G>A (p.Gly1577Ser)

Gene: TSC2 (TSC complex subunit 2; plus strand). Cytogenetic location: 16p13.3.
Variant type: single nucleotide variant.
Coding change: c.4729G>A on transcript NM_000548.5 (MANE Select); coding-DNA position 4729, G replaced by A.
Protein change: p.Gly1577Ser; replaces glycine 1577 with serine.
Molecular consequence: missense variant.
Genome position (GRCh38, 1-based): chr16:2,086,259, G>A. VCF-style: chr16-2086259-G-A. GRCh37 (hg19) VCF-style: chr16-2136260-G-A.
Other names: p.G1577S:GGC>AGC; c.4528G>A, p.Gly1510Ser (NM_001077183.3); c.4660G>A, p.Gly1554Ser (NM_001114382.3); c.4420G>A, p.Gly1474Ser (NM_001318827.2); c.4384G>A, p.Gly1462Ser (NM_001318829.2); c.3997G>A, p.Gly1333Ser (NM_001318831.2); c.4561G>A, p.Gly1521Ser (NM_001318832.2); c.4531G>A, p.Gly1511Ser (NM_001363528.2); and 2 more; short protein forms G1577S, G1510S, G1554S, G1333S, G1462S, G1474S, G1511S, G1521S.
Identifiers: ClinVar variation 207756 (VCV000207756.13), dbSNP rs796053499, ClinGen allele CA319537.
Genomic context (GRCh38, chr16:2,086,259, plus strand): 5'-AGCGAGCTCGCCATCCTGTCCAATGAGCATGGCTCCTACAGGTACACGGAGTTCCTGACG[G>A]GCCTGGGCCGGCTCATCGAGCTGAAGGACTGCCAGCCGGACAAGGTGTACCTGGGAGGCC-3'
Protein context (NP_000539.2, residues 1567-1587): GSYRYTEFLT[Gly1577Ser]LGRLIELKDC

ClinVar aggregate classification (germline): Conflicting classifications of pathogenicity. Review status: criteria provided, conflicting classifications (1 of 4 stars). 5 submissions from 5 submitters: Uncertain significance (4); Benign (1). Last evaluated 2025-07-21.

Conditions:
Hereditary cancer-predisposing syndrome. Also called: Neoplastic Syndromes, Hereditary; Hereditary Cancer Syndrome; Tumor predisposition; Hereditary neoplastic syndrome. Identifiers: Orphanet 140162, MedGen C0027672, MeSH D009386, MONDO:0015356.
Tuberous sclerosis 2 (TSC2). Identifiers: Orphanet 805, MedGen C1860707, MONDO:0013199, OMIM 613254.
Isolated focal cortical dysplasia type II (FCORD2). Also called: CORTICAL DYSPLASIA OF TAYLOR; Focal cortical dysplasia type II. Identifiers: Orphanet 268994, MedGen C1846385, MONDO:0011818, OMIM 607341, HP:0032051.

Allele frequency attached by ClinVar (database versions not stated): TOPMed below 0.00001.

Submissions (5):

Labcorp Genetics (formerly Invitae), Labcorp
Classification: Benign for Tuberous sclerosis 2. Last evaluated: 2025-07-21. Review status: criteria provided, single submitter. Criteria: Invitae Variant Classification Sherloc (09022015). Collection method: clinical testing. Allele origin: germline.

Ambry Genetics
Classification: Uncertain significance for Hereditary cancer-predisposing syndrome. Last evaluated: 2024-09-23. Review status: criteria provided, single submitter. Criteria: Ambry Variant Classification Scheme 2023. Collection method: clinical testing. Allele origin: germline.
Comment: The p.G1577S variant (also known as c.4729G>A), located in coding exon 36 of the TSC2 gene, results from a G to A substitution at nucleotide position 4729. The glycine at codon 1577 is replaced by serine, an amino acid with similar properties. This amino acid position is highly conserved in available vertebrate species. In addition, this alteration is predicted to be deleterious by in silico analysis. Based on the available evidence, the clinical significance of this variant remains unclear.

Baylor Genetics
Classification: Uncertain significance for Isolated focal cortical dysplasia type II. Last evaluated: 2023-12-20. Review status: criteria provided, single submitter. Criteria: ACMG Guidelines, 2015. Collection method: clinical testing. Allele origin: unknown.

Genome-Nilou Lab
Classification: Uncertain significance for Tuberous sclerosis 2. Last evaluated: 2021-11-07. Review status: criteria provided, single submitter. Criteria: ACMG Guidelines, 2015. Collection method: clinical testing. Allele origin: germline. Affected: no.

GeneDx
Classification: Uncertain significance. Last evaluated: 2012-07-16. Review status: criteria provided, single submitter. Criteria: GeneDx Variant Classification (06012015). Collection method: clinical testing. Allele origin: germline. Affected: yes.
Comment: p.Gly1577Ser (GGC>AGC): c.4729 G>A in exon 37 of the TSC2 gene (NM_000548.3)The Gly1577Ser missense substitution has not been published as a mutation nor reported as a benign polymorphism, to our knowledge. The NHLBI ESP Exome Variant Project has not identified Gly1577Ser in approximately 5,000 individuals of European or African American ethnicity, indicating that it is not a common benign variant in these populations. Data from population-matched controls are not available. Gly1577Ser alters a position that is highly conserved in the tuberin protein and in related proteins. The Gly1577 residue is located within the critical GAP domain, which is necessary for the GTPase function of tuberin and where 12% of pathogenic missense mutations are reported (Au et al., 2007). Several mutations of residues in the vicinity of Gly1577 have been reported (Hoogeveen-Westerveld et al., 2011; Rendtorff et al., 2005). Some in silico algorithms predict that the Gly1577Ser substitution is likely damaging to protein structure function, while another model suggests it is likely not pathogenic. Therefore, based on the information available at this time, it is unclear whether Gly1577Ser is a disease-causing mutation or a rare benign variant. The variant is found in INFANT-EPI panel(s).